The following is an entry in ClinVar:

NM_006642.5(SDCCAG8):c.741-7T>C

Gene: SDCCAG8 (SHH signaling and ciliogenesis regulator SDCCAG8; plus strand). Cytogenetic location: 1q43.
Variant type: single nucleotide variant.
Coding change: c.741-7T>C on transcript NM_006642.5 (MANE Select); 7 bases into the intron before coding-DNA position 741, T replaced by C.
Molecular consequence: intron variant.
Genome position (GRCh38, 1-based): chr1:243,307,982, T>C. VCF-style: chr1-243307982-T-C. GRCh37 (hg19) VCF-style: chr1-243471284-T-C.
Other names: c.447-7T>C (NM_001350249.2); c.-163-7T>C (NM_001350251.2, NM_001350246.2, NM_001350247.2); c.837-7T>C (NM_001350248.2).
Identifiers: ClinVar variation 873648 (VCV000873648.9), dbSNP rs755931555, ClinGen allele CA1483442.

ClinVar aggregate classification (germline): Conflicting classifications of pathogenicity. Review status: criteria provided, conflicting classifications (1 of 4 stars). 4 submissions from 3 submitters: Uncertain significance (2); Likely benign (1). 1 of the submissions does not count toward it. Last evaluated 2026-01-18.

Conditions:
Senior-Loken syndrome 7 (SLSN7). Identifiers: Orphanet 3156, MedGen C3150877, MONDO:0013326, OMIM 613615.
Bardet-Biedl syndrome 16 (BBS16). Identifiers: Orphanet 110, MedGen C3889474, MONDO:0014444, OMIM 615993.
SDCCAG8-related disorder. Also called: SDCCAG8-Related Disorders; SDCCAG8-related condition.

Allele frequency attached by ClinVar (database versions not stated): ExAC 0.00001; gnomAD exomes 0.00001 and 0.00005; TOPMed 0.00001; gnomAD 0.00002.
gnomAD v4.1: 83 of 1,613,308 alleles (0.0051%); highest among the groups gnomAD compares: Non-Finnish European, 0.0067%; no homozygotes.

Submissions (4):

Labcorp Genetics (formerly Invitae), Labcorp
Classification: Likely benign for Bardet-Biedl syndrome 16; Senior-Loken syndrome 7. Last evaluated: 2026-01-18. Review status: criteria provided, single submitter. Criteria: Invitae Variant Classification Sherloc (09022015). Collection method: clinical testing. Allele origin: germline.

Illumina Laboratory Services, Illumina
Classification: Uncertain significance for Senior-Loken syndrome 7. Last evaluated: 2018-01-15. Review status: criteria provided, single submitter. Criteria: ICSL Variant Classification Criteria 13 December 2019. Collection method: clinical testing. Allele origin: germline.

Illumina Laboratory Services, Illumina
Classification: Uncertain significance for Bardet-Biedl syndrome 16. Last evaluated: 2018-01-15. Review status: criteria provided, single submitter. Criteria: ICSL Variant Classification Criteria 13 December 2019. Collection method: clinical testing. Allele origin: germline.

PreventionGenetics, part of Exact Sciences
Classification: Likely benign for SDCCAG8-related condition. Last evaluated: 2020-02-10. Review status: no assertion criteria provided. Collection method: clinical testing. Allele origin: germline. Not counted in ClinVar's aggregate classification.
Comment: This variant is classified as likely benign based on ACMG/AMP sequence variant interpretation guidelines (Richards et al. 2015 PMID: 25741868, with internal and published modifications).